The following is an entry in ClinVar:

NM_000383.4(AIRE):c.794C>T (p.Ala265Val)

Gene: AIRE (autoimmune regulator; plus strand). Cytogenetic location: 21q22.3.
Variant type: single nucleotide variant.
Coding change: c.794C>T on transcript NM_000383.4 (MANE Select); coding-DNA position 794, C replaced by T.
Protein change: p.Ala265Val; replaces alanine 265 with valine.
Molecular consequence: missense variant.
Genome position (GRCh38, 1-based): chr21:44,289,798, C>T. VCF-style: chr21-44289798-C-T. GRCh37 (hg19) VCF-style: chr21-45709681-C-T.
Other names: short protein forms A265V.
Identifiers: ClinVar variation 583233 (VCV000583233.10), dbSNP rs775896896, ClinGen allele CA10051708.

ClinVar aggregate classification (germline): Uncertain significance. Review status: criteria provided, single submitter (1 of 4 stars). 2 submissions from 2 submitters: Uncertain significance (1). 1 of the submissions does not count toward it. Last evaluated 2022-01-16.

Conditions:
Polyglandular autoimmune syndrome, type 1 (APS1). Also called: AUTOIMMUNE POLYENDOCRINE SYNDROME, TYPE I, WITH OR WITHOUT REVERSIBLE METAPHYSEAL DYSPLASIA; APS I; Whitaker syndrome; Autoimmune polyendocrinopathy syndrome , type I, with or without reversible metaphyseal dysplasia; Autoimmune polyendocrine syndrome type 1; PGA I. Identifiers: Orphanet 3453, MedGen C0085859, MONDO:0009411, OMIM 240300.

Allele frequency attached by ClinVar (database versions not stated): gnomAD 0.00001; gnomAD exomes 0.00001; TOPMed 0.00001; ExAC 0.00002.
gnomAD v4.1: 15 of 1,612,468 alleles (0.00093%); highest among the groups gnomAD compares: Middle Eastern, 0.017%; no homozygotes.

Submissions (2):

Labcorp Genetics (formerly Invitae), Labcorp
Classification: Uncertain significance for Polyglandular autoimmune syndrome, type 1. Last evaluated: 2022-01-16. Review status: criteria provided, single submitter. Criteria: Invitae Variant Classification Sherloc (09022015). Collection method: clinical testing. Allele origin: germline.
Comment: This sequence change replaces alanine, which is neutral and non-polar, with valine, which is neutral and non-polar, at codon 265 of the AIRE protein (p.Ala265Val). This variant is present in population databases (rs775896896, gnomAD 0.003%). This variant has not been reported in the literature in individuals affected with AIRE-related conditions. ClinVar contains an entry for this variant (Variation ID: 583233). Advanced modeling of protein sequence and biophysical properties (such as structural, functional, and spatial information, amino acid conservation, physicochemical variation, residue mobility, and thermodynamic stability) performed at Invitae indicates that this missense variant is not expected to disrupt AIRE protein function. In summary, the available evidence is currently insufficient to determine the role of this variant in disease. Therefore, it has been classified as a Variant of Uncertain Significance.

Natera, Inc.
Classification: Uncertain significance for Polyglandular autoimmune syndrome type 1. Last evaluated: 2019-11-11. Review status: no assertion criteria provided. Collection method: clinical testing. Allele origin: germline. Not counted in ClinVar's aggregate classification.